The following is an entry in ClinVar:

ClinVar aggregate classification (germline): Uncertain significance. Review status: criteria provided, multiple submitters, no conflicts (2 of 4 stars). 3 submissions from 3 submitters: Uncertain significance (3). Last evaluated 2025-05-13.

Conditions:
Polyps, multiple and recurrent inflammatory fibroid, gastrointestinal. Identifiers: MedGen C5193005, MONDO:0008285, OMIM 175510.
Hereditary cancer-predisposing syndrome. Also called: Hereditary Cancer Syndrome; Neoplastic Syndromes, Hereditary; Hereditary neoplastic syndrome; Tumor predisposition. Identifiers: Orphanet 140162, MedGen C0027672, MeSH D009386, MONDO:0015356.
Gastrointestinal stromal tumor. Also called: Gastrointestinal stromal tumor, somatic; Gastrointestinal stroma tumor. Identifiers: Orphanet 44890, MedGen C0238198, MeSH D046152, MONDO:0011719, OMIM 606764, HP:0100723.

Allele frequency attached by ClinVar (database versions not stated): gnomAD exomes below 0.00001.
gnomAD v4.1: 6 of 1,605,036 alleles (0.00037%); highest among the groups gnomAD compares: Middle Eastern, 0.017%; no homozygotes.

Submissions (3):

Labcorp Genetics (formerly Invitae), Labcorp
Classification: Uncertain significance for Gastrointestinal stromal tumor. Last evaluated: 2025-05-13. Review status: criteria provided, single submitter. Criteria: Invitae Variant Classification Sherloc (09022015). Collection method: clinical testing. Allele origin: germline.
Comment: This sequence change replaces glutamic acid, which is acidic and polar, with lysine, which is basic and polar, at codon 927 of the PDGFRA protein (p.Glu927Lys). This variant is not present in population databases (gnomAD no frequency). This variant has not been reported in the literature in individuals affected with PDGFRA-related conditions. ClinVar contains an entry for this variant (Variation ID: 75474). Invitae Evidence Modeling of protein sequence and biophysical properties (such as structural, functional, and spatial information, amino acid conservation, physicochemical variation, residue mobility, and thermodynamic stability) indicates that this missense variant is not expected to disrupt PDGFRA protein function with a negative predictive value of 80%. In summary, the available evidence is currently insufficient to determine the role of this variant in disease. Therefore, it has been classified as a Variant of Uncertain Significance.

Ambry Genetics
Classification: Uncertain significance for Hereditary cancer-predisposing syndrome. Last evaluated: 2024-04-26. Review status: criteria provided, single submitter. Criteria: Ambry Variant Classification Scheme 2023. Collection method: clinical testing. Allele origin: germline.
Comment: The p.E927K variant (also known as c.2779G>A), located in coding exon 20 of the PDGFRA gene, results from a G to A substitution at nucleotide position 2779. The glutamic acid at codon 927 is replaced by lysine, an amino acid with similar properties. This amino acid position is conserved. In addition, the in silico prediction for this alteration is inconclusive. Since supporting evidence is limited at this time, the clinical significance of this alteration remains unclear.

Baylor Genetics
Classification: Uncertain significance for Polyps, multiple and recurrent inflammatory fibroid, gastrointestinal. Last evaluated: 2023-09-04. Review status: criteria provided, single submitter. Criteria: ACMG Guidelines, 2015. Collection method: clinical testing. Allele origin: unknown.

NM_006206.6(PDGFRA):c.2779G>A (p.Glu927Lys)

Gene: PDGFRA (platelet derived growth factor receptor alpha; plus strand). Cytogenetic location: 4q12.
Variant type: single nucleotide variant.
Coding change: c.2779G>A on transcript NM_006206.6 (MANE Select); coding-DNA position 2779, G replaced by A.
Protein change: p.Glu927Lys; replaces glutamic acid 927 with lysine.
Molecular consequence: missense variant.
Genome position (GRCh38, 1-based): chr4:54,289,013, G>A. VCF-style: chr4-54289013-G-A. GRCh37 (hg19) VCF-style: chr4-55155180-G-A.
Other names: c.2854G>A, p.Glu952Lys (NM_001347828.2); c.2779G>A, p.Glu927Lys (NM_001347829.2); c.2818G>A, p.Glu940Lys (NM_001347830.2); short protein forms E927K, E952K, E940K.
Identifiers: ClinVar variation 75474 (VCV000075474.14), dbSNP rs267600187, ClinGen allele CA96868991.